The following is an entry in ClinVar:

ClinVar aggregate classification (germline): Likely benign (0 of 4 stars; one submission).

Conditions:
PCDHA9-related disorder. Also called: PCDHA9-related condition.

Allele frequency attached by ClinVar (database versions not stated): 1000 Genomes Project 30x 0.44410; gnomAD 0.46095; gnomAD exomes 0.52905.
gnomAD v4.1: 831,192 of 1,591,790 alleles (52%); highest among the groups gnomAD compares: South Asian, 62%; 256,408 homozygotes.

Submission:

PreventionGenetics, part of Exact Sciences
Classification: Likely benign for PCDHA9-related condition. Last evaluated: 2020-09-24. Review status: no assertion criteria provided. Collection method: clinical testing. Allele origin: germline.
Comment: This variant is classified as likely benign based on ACMG/AMP sequence variant interpretation guidelines (Richards et al. 2015 PMID: 25741868, with internal and published modifications).

NM_031857.2(PCDHA9):c.84C>A (p.Ser28Arg)

Genes: PCDHA1 (protocadherin alpha 1; plus strand), PCDHA2 (protocadherin alpha 2; plus strand), PCDHA3 (protocadherin alpha 3; plus strand), PCDHA4 (protocadherin alpha 4; plus strand), PCDHA5 (protocadherin alpha 5; plus strand) and 5 more. Cytogenetic location: 5q31.3.
Variant type: single nucleotide variant.
Coding change: c.84C>A on transcript NM_031857.2 (MANE Select); coding-DNA position 84, C replaced by A.
Protein change: p.Ser28Arg; replaces serine 28 with arginine.
Molecular consequence: missense variant. On other transcripts: intron variant (10).
Genome position (GRCh38, 1-based): chr5:140,848,579, C>A. VCF-style: chr5-140848579-C-A. GRCh37 (hg19) VCF-style: chr5-140228164-C-A.
Other names: c.84C>A, p.Ser28Arg (NM_014005.5); c.2394+59895C>A (NM_018900.4); c.1602+60687C>A (NM_031411.3); c.2388+51227C>A (NM_018905.3); c.2394+44988C>A (NM_018906.3); c.2385+39007C>A (NM_018907.4); c.2352+24452C>A (NM_018908.3); c.2394+18094C>A (NM_018909.4); and 3 more; short protein forms S28R.
Identifiers: ClinVar variation 3060050 (VCV003060050.2), dbSNP rs251353, ClinGen allele CA3450120.